The following is an entry in ClinVar:

NM_203290.4(POLR1C):c.88C>T (p.Pro30Ser)

Gene: POLR1C (RNA polymerase I and III subunit C; plus strand). Cytogenetic location: 6p21.1.
Variant type: single nucleotide variant.
Coding change: c.88C>T on transcript NM_203290.4 (MANE Select); coding-DNA position 88, C replaced by T.
Protein change: p.Pro30Ser; replaces proline 30 with serine.
Molecular consequence: missense variant.
Genome position (GRCh38, 1-based): chr6:43,517,324, C>T. VCF-style: chr6-43517324-C-T. GRCh37 (hg19) VCF-style: chr6-43485062-C-T.
Other names: c.88C>T, p.Pro30Ser (NM_001318876.2, NM_001363658.2); short protein forms P30S.
Identifiers: ClinVar variation 375402 (VCV000375402.11), dbSNP rs1057519455, ClinGen allele CA16044223.

ClinVar aggregate classification (germline): Pathogenic/Likely pathogenic. Review status: criteria provided, multiple submitters, no conflicts (2 of 4 stars). 6 submissions from 6 submitters: Pathogenic (1); Likely pathogenic (3). 2 of the submissions do not count toward it. Last evaluated 2025-09-05.

Conditions:
POLR1C-related disorder. Also called: POLR1C-related disorders; POLR1C-related condition. Identifiers: MedGen CN239394, MONDO:0700278.
Leukodystrophy, hypomyelinating, 11. Identifiers: Orphanet 88637, MedGen C4225305, MONDO:0014666, OMIM 616494.
Treacher Collins syndrome 3 (TCS3). Also called: POLR1C-Related Treacher Collins Syndrome. Identifiers: Orphanet 861, MedGen C1855433, MONDO:0009558, OMIM 248390.

Allele frequency attached by ClinVar (database versions not stated): gnomAD 0.00001; TOPMed 0.00001.
gnomAD v4.1: 16 of 1,613,996 alleles (0.00099%); highest among the groups gnomAD compares: Non-Finnish European, 0.0014%; no homozygotes.

Submissions (6):

Women's Health and Genetics/Laboratory Corporation of America, LabCorp
Classification: Likely pathogenic for POLR1C-related disorder. Last evaluated: 2025-09-05. Review status: criteria provided, single submitter. Criteria: LabCorp Variant Classification Summary - May 2015. Collection method: clinical testing. Allele origin: germline.
Comment: Variant summary: POLR1C c.88C>T (p.Pro30Ser) results in a non-conservative amino acid change in the encoded protein sequence. Algorithms developed to predict the effect of missense changes on protein structure and function are either unavailable or do not agree on the potential impact of this missense change. The variant was absent in 251496 control chromosomes (gnomAD). c.88C>T has been observed in individuals affected with clinical features of POLR1C-Related Disorders (Eldomery_2017, Liu_2019, Ching-Lpez_2021, Mirchi_2023). These data indicate that the variant is likely to be associated with disease. To our knowledge, no experimental evidence demonstrating an impact on protein function has been reported. The following publications have been ascertained in the context of this evaluation (PMID: 33804237, 28327206, 31216405, 33134290, 37197783). ClinVar contains an entry for this variant (Variation ID: 375402). Based on the evidence outlined above, the variant was classified as likely pathogenic.

Eurofins-Biomnis
Classification: Likely pathogenic for Leukodystrophy, hypomyelinating, 11. Last evaluated: 2022-10-04. Review status: criteria provided, single submitter. Criteria: Accession Criteria ClinVar Biomnis. Collection method: clinical testing. Allele origin: biparental. Affected: yes. Observed: 1 homozygote.

Victorian Clinical Genetics Services, Murdoch Childrens Research Institute
Classification: Likely pathogenic for Leukodystrophy, hypomyelinating, 11. Last evaluated: 2022-02-02. Review status: criteria provided, single submitter. Criteria: ACMG Guidelines, 2015. Collection method: clinical testing. Allele origin: germline. Inheritance: Autosomal recessive inheritance. Affected: yes.
Comment: Based on the classification scheme VCGS_Germline_v1.3.4, this variant is classified as Likely Pathogenic. Following criteria are met: 0102 - Loss of function is a known mechanism of disease in this gene and is associated with Treacher Collins syndrome 3 (MIM#248390) and Leukodystrophy, hypomyelinating, 11 (MIM#616494). (I) 0106 - This gene is associated with autosomal recessive disease. (I) 0200 - Variant is predicted to result in a missense amino acid change from proline to serine. (I) 0251 - This variant is heterozygous. (I) 0304 - Variant is present in gnomAD <0.01 for a recessive condition (v3: 1 heterozygote, 0 homozygotes). (SP) 0501 - Missense variant consistently predicted to be damaging by multiple in silico tools or highly conserved with a major amino acid change. (SP) 0604 - Variant is not located in an established domain, motif, hotspot or informative constraint region. (I) 0705 - No comparable missense variants have previous evidence for pathogenicity. (I) 0802 - This variant has moderate previous evidence of pathogenicity in unrelated individuals. It has been identified in at least two unrelated individuals with leukodystrophy and one family with syndromic developmental delay and intellectual disability; and cardiac phenotypes, leading to a dual diagnosis of SCN1B-related disorder. All affected individuals presented with childhood-onset (PMID: 28327206, 32042905). (SP) 0902 - This variant has moderate evidence for segregation with disease. It was found in two pairs of sibships, one with leukodrystrophy and the other with syndromic developmental delay and intellectual disability (PMID: 28327206, 32042905). (SP) 1007 - No published functional evidence has been identified for this variant. (I) 1208 - Inheritance information for this variant is not currently available in this individual. (I) Legend: (SP) - Supporting pathogenic, (I) - Information, (SB) - Supporting benign

MyeliNeuroGene Lab, McGill University Health Center Research Institute
Classification: Pathogenic for Leukodystrophy, hypomyelinating, 11. Review status: criteria provided, single submitter. Criteria: ACMG Guidelines, 2015. Collection method: research. Allele origin: paternal. Inheritance: Autosomal recessive inheritance. Affected: no.

Lupski Lab, Baylor-Hopkins CMG, Baylor College of Medicine
Classification: Pathogenic for Leukodystrophy, hypomyelinating, 11. Review status: no assertion criteria provided. Collection method: research. Allele origin: germline. Inheritance: Autosomal recessive inheritance. Affected: yes. Not counted in ClinVar's aggregate classification.
Comment: Dual molecular diagnoses involving POLR1C and SCN1B were identified.

Baylor Genetics
Classification: Uncertain significance for Leukodystrophy, hypomyelinating, 11; Treacher Collins syndrome 3. Last evaluated: 2017-12-31. Review status: flagged submission. Criteria: ACMG Guidelines, 2015. Collection method: clinical testing. Allele origin: germline. Affected: yes. Not counted in ClinVar's aggregate classification.
ClinVar note: Reason: Older and outlier claim with insufficient supporting evidence

Literature cited by the submitters: PubMed 31216405 (cited by Women's Health and Genetics/Laboratory Corporation of America, LabCorp); PubMed 33804237 (cited by Women's Health and Genetics/Laboratory Corporation of America, LabCorp); PubMed 28327206 (cited by 3 submitters); PubMed 33134290 (cited by Women's Health and Genetics/Laboratory Corporation of America, LabCorp); PubMed 37197783 (cited by Women's Health and Genetics/Laboratory Corporation of America, LabCorp); PubMed 32042905 (cited by Victorian Clinical Genetics Services, Murdoch Childrens Research Institute); PubMed 610060 (cited by MyeliNeuroGene Lab, McGill University Health Center Research Institute).